The following is an entry in ClinVar:

NM_015015.3(KDM4B):c.3036C>T (p.Asp1012=)

Gene: KDM4B (lysine demethylase 4B; plus strand). Cytogenetic location: 19p13.3.
Variant type: single nucleotide variant.
Coding change: c.3036C>T on transcript NM_015015.3 (MANE Select); coding-DNA position 3036, C replaced by T.
Protein change: p.Asp1012=; no amino-acid change (aspartic acid 1012 retained).
Molecular consequence: synonymous variant.
Genome position (GRCh38, 1-based): chr19:5,150,372, C>T. VCF-style: chr19-5150372-C-T. GRCh37 (hg19) VCF-style: chr19-5150383-C-T.
Other names: c.3138C>T, p.Asp1046= (NM_001411148.1).
Identifiers: ClinVar variation 3778152 (VCV003778152.7).

ClinVar aggregate classification (germline): Likely benign (1 of 4 stars; one submission).

Submission:

CeGaT Center for Human Genetics Tuebingen
Classification: Likely benign. Last evaluated: 2025-03-01. Review status: criteria provided, single submitter. Criteria: CeGaT Center For Human Genetics Tuebingen Variant Classification Criteria Version 2. Collection method: clinical testing. Allele origin: germline. Affected: yes. Observed: 1 variant allele.
Comment: KDM4B: BP4, BP7